The following is an entry in ClinVar:

ClinVar aggregate classification (germline): Uncertain significance (1 of 4 stars; one submission).

Submission:

GeneDx
Classification: Uncertain significance. Last evaluated: 2022-06-17. Review status: criteria provided, single submitter. Criteria: GeneDx Variant Classification Process June 2021. Collection method: clinical testing. Allele origin: germline. Affected: yes.
Comment: Not observed at significant frequency in large population cohorts (gnomAD); In silico analysis supports that this missense variant has a deleterious effect on protein structure/function; Has not been previously published as pathogenic or benign to our knowledge

NM_030665.4(RAI1):c.5408G>T (p.Arg1803Leu)

Gene: RAI1 (retinoic acid induced 1; plus strand). Cytogenetic location: 17p11.2.
Variant type: single nucleotide variant.
Coding change: c.5408G>T on transcript NM_030665.4 (MANE Select); coding-DNA position 5408, G replaced by T.
Protein change: p.Arg1803Leu; replaces arginine 1803 with leucine.
Molecular consequence: missense variant.
Genome position (GRCh38, 1-based): chr17:17,798,356, G>T. VCF-style: chr17-17798356-G-T. GRCh37 (hg19) VCF-style: chr17-17701670-G-T.
Other names: short protein forms R1803L.
Identifiers: ClinVar variation 1804403 (VCV001804403.1), dbSNP rs771965950, ClinGen allele CA398559103.